The following is an entry in ClinVar:

ClinVar aggregate classification (germline): Uncertain significance (1 of 4 stars; one submission).

Conditions:
Hereditary cancer-predisposing syndrome. Also called: Neoplastic Syndromes, Hereditary; Tumor predisposition; Hereditary Cancer Syndrome; Hereditary neoplastic syndrome. Identifiers: Orphanet 140162, MedGen C0027672, MeSH D009386, MONDO:0015356.

Submission:

Ambry Genetics
Classification: Uncertain significance for Hereditary cancer-predisposing syndrome. Last evaluated: 2021-04-27. Review status: criteria provided, single submitter. Criteria: Ambry Variant Classification Scheme 2023. Collection method: clinical testing. Allele origin: germline.
Comment: The p.A1192S variant (also known as c.3574G>T), located in coding exon 20 of the DICER1 gene, results from a G to T substitution at nucleotide position 3574. The alanine at codon 1192 is replaced by serine, an amino acid with similar properties. This amino acid position is not well conserved in available vertebrate species. In addition, this alteration is predicted to be tolerated by in silico analysis. Since supporting evidence is limited at this time, the clinical significance of this alteration remains unclear.

NM_177438.3(DICER1):c.3574G>T (p.Ala1192Ser)

Gene: DICER1 (dicer 1, ribonuclease III; minus strand). Cytogenetic location: 14q32.13.
Variant type: single nucleotide variant.
Coding change: c.3574G>T on transcript NM_177438.3 (MANE Select); coding-DNA position 3574, G replaced by T.
Protein change: p.Ala1192Ser; replaces alanine 1192 with serine.
Molecular consequence: missense variant. On other transcripts: non-coding transcript variant (6).
Genome position (GRCh38, 1-based): chr14:95,103,822, C>A on the plus strand (G>T on the coding strand, the complement: DICER1 is on the minus strand). VCF-style: chr14-95103822-C-A. GRCh37 (hg19) VCF-style: chr14-95570159-C-A.
Other names: c.3574G>T, p.Ala1192Ser (NM_030621.4, NM_001195573.1, NM_001271282.3 and 13 more transcripts); c.3169G>T, p.Ala1057Ser (NM_001395696.1, NM_001395687.1, NM_001395688.1 and 2 more transcripts); c.1891G>T, p.Ala631Ser (NM_001395697.1); c.3292G>T, p.Ala1098Ser (NM_001395686.1); c.3007G>T, p.Ala1003Ser (NM_001395691.1); short protein forms A1003S, A1057S, A1098S, A1192S, A631S.
Identifiers: ClinVar variation 1732821 (VCV001732821.2), dbSNP rs2139965029, ClinGen allele CA390874862.
Genomic context (GRCh38, chr14:95,103,822, plus strand): 5'-GCACGGGTATTTCCTGCTTGTAGTAATTTAGCTGATTTCCTTGGCAAAAGTCTCTGTTAG[C>A]TAAATCATAACTGCCATTGGCGAGATTTTGATTGTAAGAAAGACCATTAATTGCTGTAAG-3'
Protein context (NP_803187.1, residues 1182-1202): QNLANGSYDL[Ala1192Ser]NRDFCQGNQL